The following is an entry in ClinVar:

ClinVar aggregate classification (germline): Uncertain significance. Review status: criteria provided, multiple submitters, no conflicts (2 of 4 stars). 2 submissions from 2 submitters: Uncertain significance (2). Last evaluated 2023-07-09.

Conditions:
Congenital myasthenic syndrome 2A. Also called: Myasthenic syndrome, congenital, 2a, slow-channel. Identifiers: Orphanet 590, MedGen C4225374, MONDO:0014581, OMIM 616313.
CHRNB1-related disorder. Also called: CHRNB1-related condition.

Allele frequency attached by ClinVar (database versions not stated): gnomAD exomes below 0.00001; ExAC 0.00002; gnomAD 0.00002; TOPMed 0.00005.
gnomAD v4.1: 10 of 1,613,960 alleles (0.00062%); highest among the groups gnomAD compares: Admixed American, 0.0083%; no homozygotes.

Submissions (2):

PreventionGenetics, part of Exact Sciences
Classification: Uncertain significance for CHRNB1-related condition. Last evaluated: 2023-07-09. Review status: criteria provided, single submitter. Criteria: ACMG Guidelines, 2015. Collection method: clinical testing. Allele origin: germline.
Comment: The CHRNB1 c.1405C>T variant is predicted to result in the amino acid substitution p.Arg469Cys. To our knowledge, this variant has not been reported in the literature. This variant is reported in 0.012% of alleles in individuals of Latino descent in gnomAD. At this time, the clinical significance of this variant is uncertain due to the absence of conclusive functional and genetic evidence.

Labcorp Genetics (formerly Invitae), Labcorp
Classification: Uncertain significance for Congenital myasthenic syndrome 2A. Last evaluated: 2023-06-21. Review status: criteria provided, single submitter. Criteria: Invitae Variant Classification Sherloc (09022015). Collection method: clinical testing. Allele origin: germline.
Comment: In summary, the available evidence is currently insufficient to determine the role of this variant in disease. Therefore, it has been classified as a Variant of Uncertain Significance. Advanced modeling of protein sequence and biophysical properties (such as structural, functional, and spatial information, amino acid conservation, physicochemical variation, residue mobility, and thermodynamic stability) performed at Invitae indicates that this missense variant is expected to disrupt CHRNB1 protein function. This variant has not been reported in the literature in individuals affected with CHRNB1-related conditions. This variant is present in population databases (rs777107114, gnomAD 0.01%). This sequence change replaces arginine, which is basic and polar, with cysteine, which is neutral and slightly polar, at codon 469 of the CHRNB1 protein (p.Arg469Cys).

NM_000747.3(CHRNB1):c.1405C>T (p.Arg469Cys)

Gene: CHRNB1 (cholinergic receptor nicotinic beta 1 subunit; plus strand). Cytogenetic location: 17p13.1.
Variant type: single nucleotide variant.
Coding change: c.1405C>T on transcript NM_000747.3 (MANE Select); coding-DNA position 1405, C replaced by T.
Protein change: p.Arg469Cys; replaces arginine 469 with cysteine.
Molecular consequence: missense variant.
Genome position (GRCh38, 1-based): chr17:7,456,622, C>T. VCF-style: chr17-7456622-C-T. GRCh37 (hg19) VCF-style: chr17-7359941-C-T.
Other names: short protein forms R469C.
Identifiers: ClinVar variation 2634886 (VCV002634886.4), dbSNP rs777107114, ClinGen allele CA8348066.
Genomic context (GRCh38, chr17:7,456,622, plus strand): 5'-GTTTCCTTTGCCTACCCACAGCTGAAGGAGGACTGGCAGTTTGTGGCCATGGTAGTGGAC[C>T]GCCTCTTCCTGTGGACTTTCATCATCTTCACCAGCGTTGGGACCCTAGTCATCTTCCTGG-3'
Protein context (NP_000738.2, residues 459-479): DWQFVAMVVD[Arg469Cys]LFLWTFIIFT